The following is an entry in ClinVar:

ClinVar aggregate classification (germline): Likely pathogenic (1 of 4 stars; one submission).

Conditions:
Diabetes mellitus, permanent neonatal 2. Also called: KCNJ11-Related Permanent Neonatal Diabetes Mellitus. Identifiers: MedGen C5394296, MONDO:0030087, OMIM 618856.

Submission:

3billion
Classification: Likely pathogenic for Diabetes mellitus, permanent neonatal 2. Last evaluated: 2024-08-14. Review status: criteria provided, single submitter. Criteria: ACMG Guidelines, 2015. Collection method: clinical testing. Allele origin: germline. Affected: yes.
Comment: The variant is not observed in the gnomAD v4.0.0 dataset. Predicted Consequence/Location: Missense variant In silico tool predictions suggest damaging effect of the variant on gene or gene product [REVEL: 0.93 (>=0.6, sensitivity 0.68 and specificity 0.92)]. The same nucleotide change resulting in the same amino acid change has been previously reported to be associated with KCNJ11 related disorder (PMID: 19139106). Different missense changes at the same codon (p.Val59Gly, p.Val59Met) have been reported as pathogenic/likely pathogenic with strong evidence (ClinVar ID: VCV000008667, VCV000008669 /PMID: 15115830). Therefore, this variant is classified as Likely pathogenic according to the recommendation of ACMG/AMP guideline.

Literature cited by the submitters: PubMed 15115830; PubMed 19139106.

NM_000525.4(KCNJ11):c.176T>C (p.Val59Ala)

Gene: KCNJ11 (potassium inwardly rectifying channel subfamily J member 11; minus strand). Cytogenetic location: 11p15.1.
Variant type: single nucleotide variant.
Coding change: c.176T>C on transcript NM_000525.4 (MANE Select); coding-DNA position 176, T replaced by C.
Protein change: p.Val59Ala; replaces valine 59 with alanine.
Molecular consequence: missense variant. On other transcripts: intron variant (3).
Genome position (GRCh38, 1-based): chr11:17,387,916, A>G on the plus strand (T>C on the coding strand, the complement: KCNJ11 is on the minus strand). VCF-style: chr11-17387916-A-G. GRCh37 (hg19) VCF-style: chr11-17409463-A-G.
Other names: c.-16-70T>C (NM_001166290.2, NM_001377297.1, NM_001377296.1); short protein forms V59A.
Identifiers: ClinVar variation 4293637 (VCV004293637.1).